The following is an entry in ClinVar:

NM_012414.4(RAB3GAP2):c.2461T>C (p.Trp821Arg)

Gene: RAB3GAP2 (RAB3 GTPase activating non-catalytic protein subunit 2; minus strand). Cytogenetic location: 1q41.
Variant type: single nucleotide variant.
Coding change: c.2461T>C on transcript NM_012414.4 (MANE Select); coding-DNA position 2461, T replaced by C.
Protein change: p.Trp821Arg; replaces tryptophan 821 with arginine.
Molecular consequence: missense variant.
Genome position (GRCh38, 1-based): chr1:220,172,005, A>G on the plus strand (T>C on the coding strand, the complement: RAB3GAP2 is on the minus strand). VCF-style: chr1-220172005-A-G. GRCh37 (hg19) VCF-style: chr1-220345347-A-G.
Other names: short protein forms W821R.
Identifiers: ClinVar variation 392325 (VCV000392325.2), dbSNP rs778885650, ClinGen allele CA1402406.

ClinVar aggregate classification (germline): Uncertain significance (1 of 4 stars; one submission).

Allele frequency attached by ClinVar (database versions not stated): gnomAD exomes below 0.00001 and 0.00001; ExAC 0.00001.
gnomAD v4.1: 1 of 1,614,196 alleles (0.000062%); highest among the groups gnomAD compares: East Asian, 0.0022%; no homozygotes.

Submission:

GeneDx
Classification: Uncertain significance. Last evaluated: 2017-01-03. Review status: criteria provided, single submitter. Criteria: GeneDx Variant Classification (06012015). Collection method: clinical testing. Allele origin: germline. Affected: yes.
Comment: A variant of uncertain significance has been identified in the RAB3GAP2 gene. The W821R variant has not been published as a pathogenic variant, nor has it been reported as a benign variant to our knowledge. The W821R variant is not observed at a significant frequency in large population cohorts (Lek et al., 2016; 1000 Genomes Consortium et al., 2015; Exome Variant Server). The W821R variant is a non-conservative amino acid substitution, which is likely to impact secondary protein structure as these residues differ in polarity, charge, size and/or other properties. This substitution occurs at a position that is conserved across species, and in silico analysis predicts this variant is probably damaging to the protein structure/function. Based on the currently available information, it is unclear whether this variant is a pathogenic variant or a rare benign variant.